The following is an entry in ClinVar:

ClinVar aggregate classification (germline): Likely benign (0 of 4 stars; one submission).

Conditions:
ARX-related disorder. Also called: ARX-related condition; ARX-Related Disorders. Identifiers: MedGen CN378769.

Submission:

PreventionGenetics, part of Exact Sciences
Classification: Likely benign for ARX-related condition. Last evaluated: 2024-05-02. Review status: no assertion criteria provided. Collection method: clinical testing. Allele origin: germline.
Comment: This variant is classified as likely benign based on ACMG/AMP sequence variant interpretation guidelines (Richards et al. 2015 PMID: 25741868, with internal and published modifications).

NM_139058.3(ARX):c.387A>G (p.Pro129=)

Genes: ARX (aristaless related homeobox; minus strand), LOC109610631 (aristaless related homeobox polyalanine expansion region; plus strand). Cytogenetic location: Xp21.3.
Variant type: single nucleotide variant.
Coding change: c.387A>G on transcript NM_139058.3 (MANE Select); coding-DNA position 387, A replaced by G.
Protein change: p.Pro129=; no amino-acid change (proline 129 retained).
Molecular consequence: synonymous variant.
Genome position (GRCh38, 1-based): chrX:25,013,608, T>C on the plus strand (A>G on the coding strand, the complement: ARX is on the minus strand). VCF-style: chrX-25013608-T-C. GRCh37 (hg19) VCF-style: chrX-25031725-T-C.
Identifiers: ClinVar variation 3352226 (VCV003352226.1).